The following is an entry in ClinVar:

NM_001126108.2(SLC12A3):c.2633+2T>A

Gene: SLC12A3 (solute carrier family 12 member 3; plus strand). Cytogenetic location: 16q13.
Variant type: single nucleotide variant.
Coding change: c.2633+2T>A on transcript NM_001126108.2 (MANE Select); the canonical splice donor site of the intron after coding-DNA position 2633, T replaced by A.
Molecular consequence: splice donor variant.
Genome position (GRCh38, 1-based): chr16:56,894,644, T>A. VCF-style: chr16-56894644-T-A. GRCh37 (hg19) VCF-style: chr16-56928556-T-A.
Other names: c.2660+2T>A (NM_000339.3); c.2657+2T>A (NM_001126107.2); c.2630+2T>A (NM_001410896.1).
Identifiers: ClinVar variation 2743237 (VCV002743237.3), dbSNP rs1219150462, ClinGen allele CA395997838.

ClinVar aggregate classification (germline): Pathogenic (1 of 4 stars; one submission).

Allele frequency attached by ClinVar (database versions not stated): gnomAD exomes below 0.00001; gnomAD 0.00001; TOPMed 0.00001.
gnomAD v4.1: 8 of 1,611,480 alleles (0.0005%); highest among the groups gnomAD compares: Non-Finnish European, 0.00068%; no homozygotes.

Submission:

Labcorp Genetics (formerly Invitae), Labcorp
Classification: Pathogenic. Last evaluated: 2023-07-14. Review status: criteria provided, single submitter. Criteria: Invitae Variant Classification Sherloc (09022015). Collection method: clinical testing. Allele origin: germline.
Comment: For these reasons, this variant has been classified as Pathogenic. This sequence change affects a donor splice site in intron 22 of the SLC12A3 gene. It is expected to disrupt RNA splicing. Variants that disrupt the donor or acceptor splice site typically lead to a loss of protein function (PMID: 16199547), and loss-of-function variants in SLC12A3 are known to be pathogenic (PMID: 20848653, 22009145, 25841442). This variant is present in population databases (no rsID available, gnomAD 0.002%). Disruption of this splice site has been observed in individual(s) with Gitelman syndrome (PMID: 22679066, 24830959, 29403282, 30413979, 30596175, 31672324). In at least one individual the data is consistent with being in trans (on the opposite chromosome) from a pathogenic variant. It has also been observed to segregate with disease in related individuals. Algorithms developed to predict the effect of sequence changes on RNA splicing suggest that this variant may disrupt the consensus splice site.

Literature cited by the submitters: PubMed 16199547; PubMed 20848653; PubMed 22009145; PubMed 25841442; PubMed 22679066; PubMed 24830959; PubMed 29403282; PubMed 30413979; PubMed 30596175; PubMed 31672324.